The following is an entry in ClinVar:

NM_001035.3(RYR2):c.3078C>G (p.Asn1026Lys)

Gene: RYR2 (ryanodine receptor 2; plus strand). Cytogenetic location: 1q43.
Variant type: single nucleotide variant.
Coding change: c.3078C>G on transcript NM_001035.3 (MANE Select); coding-DNA position 3078, C replaced by G.
Protein change: p.Asn1026Lys; replaces asparagine 1026 with lysine.
Molecular consequence: missense variant.
Genome position (GRCh38, 1-based): chr1:237,550,555, C>G. VCF-style: chr1-237550555-C-G. GRCh37 (hg19) VCF-style: chr1-237713855-C-G.
Other names: short protein forms N1026K.
Identifiers: ClinVar variation 2640117 (VCV002640117.24), dbSNP rs2546296392, ClinGen allele CA345394473.
Genomic context (GRCh38, chr1:237,550,555, plus strand): 5'-AAAAGCCCTTGGTATTGCTTTGACGGCTGCACCCTGTGTTTTCCTGCAGGACGTAAAGAA[C>G]AGAAGAAATCCTCGCCTTGTTCCCTACACTCTTCTGGATGACCGAACCAAGAAATCCAAC-3'
Protein context (NP_001026.2, residues 1016-1036): WTYGIQQDVK[Asn1026Lys]RRNPRLVPYT

ClinVar aggregate classification (germline): Uncertain significance (1 of 4 stars; one submission).

Submission:

CeGaT Center for Human Genetics Tuebingen
Classification: Uncertain significance. Last evaluated: 2023-07-01. Review status: criteria provided, single submitter. Criteria: CeGaT Center For Human Genetics Tuebingen Variant Classification Criteria Version 2. Collection method: clinical testing. Allele origin: germline. Affected: yes. Observed: 1 variant allele.
Comment: RYR2: PM2, PP3